The following is an entry in ClinVar:

ClinVar aggregate classification (germline): Uncertain significance (1 of 4 stars; one submission).

Conditions:
Inborn genetic diseases. Identifiers: MedGen C0950123, MeSH D030342.

gnomAD v4.1: 1 of 1,613,830 alleles (0.000062%); highest among the groups gnomAD compares: Non-Finnish European, 0.000085%; no homozygotes.

Submission:

Ambry Genetics
Classification: Uncertain significance for Inborn genetic diseases. Last evaluated: 2024-11-21. Review status: criteria provided, single submitter. Criteria: Ambry Variant Classification Scheme 2023. Collection method: clinical testing. Allele origin: germline.
Comment: The p.V307A variant (also known as c.920T>C), located in coding exon 1 of the SAMD9 gene, results from a T to C substitution at nucleotide position 920. The valine at codon 307 is replaced by alanine, an amino acid with similar properties. This amino acid position is conserved. In addition, the in silico prediction for this alteration is inconclusive. Based on the available evidence, the clinical significance of this variant remains unclear.

NM_017654.4(SAMD9):c.920T>C (p.Val307Ala)

Gene: SAMD9 (sterile alpha motif domain containing 9; minus strand). Cytogenetic location: 7q21.2.
Variant type: single nucleotide variant.
Coding change: c.920T>C on transcript NM_017654.4 (MANE Select); coding-DNA position 920, T replaced by C.
Protein change: p.Val307Ala; replaces valine 307 with alanine.
Molecular consequence: missense variant.
Genome position (GRCh38, 1-based): chr7:93,105,178, A>G on the plus strand (T>C on the coding strand, the complement: SAMD9 is on the minus strand). VCF-style: chr7-93105178-A-G. GRCh37 (hg19) VCF-style: chr7-92734491-A-G.
Other names: c.920T>C, p.Val307Ala (NM_001193307.2); short protein forms V307A.
Identifiers: ClinVar variation 3437010 (VCV003437010.1).
Genomic context (GRCh38, chr7:93,105,178, plus strand): 5'-TTTTGCATTTTAATCTGGAAATAATCATATTGGCATTCAGAGAACTGTGGAATAATGTCC[A>G]CTTCAATAACAAATCTGTCAGATAGAGTACTATTTGGCAGTAAAACTTCCACAAATCTTG-3'
Protein context (NP_060124.2, residues 297-317): STLSDRFVIE[Val307Ala]DIIPQFSECQ